The following is an entry in ClinVar:

ClinVar aggregate classification (germline): Uncertain significance (1 of 4 stars; one submission).

gnomAD v4.1: 9 of 1,561,568 alleles (0.00058%); highest among the groups gnomAD compares: African/African-American, 0.0041%; no homozygotes.

Submission:

Women's Health and Genetics/Laboratory Corporation of America, LabCorp
Classification: Uncertain significance. Last evaluated: 2024-05-07. Review status: criteria provided, single submitter. Criteria: LabCorp Variant Classification Summary - May 2015. Collection method: clinical testing. Allele origin: germline.
Comment: Variant summary: SLC13A3 c.608+1G>A is located in a canonical splice-site and is predicted to affect mRNA splicing resulting in a significantly altered protein due to either exon skipping, shortening, or inclusion of intronic material. However, loss-of-function is not currently established as a mechanism of disease. Several computational tools predict a significant impact on normal splicing: Four predict the variant abolishes a 5' splicing donor site. These predictions have yet to be confirmed by functional studies. The variant allele was found at a frequency of 1.2e-05 in 240716 control chromosomes. The available data on variant occurrences in the general population are insufficient to allow any conclusion about variant significance. To our knowledge, no occurrence of c.608+1G>A in individuals affected with Leukoencephalopathy, Acute Reversible, With Increased Urinary Alpha-Ketoglutarate and no experimental evidence demonstrating its impact on protein function have been reported. No submitters have cited clinical-significance assessments for this variant to ClinVar. Based on the evidence outlined above, the variant was classified as uncertain significance.

NM_022829.6(SLC13A3):c.608+1G>A

Gene: SLC13A3 (solute carrier family 13 member 3; minus strand). Cytogenetic location: 20q13.12.
Variant type: single nucleotide variant.
Coding change: c.608+1G>A on transcript NM_022829.6 (MANE Select); the canonical splice donor site of the intron after coding-DNA position 608, G replaced by A.
Molecular consequence: splice donor variant. On other transcripts: intron variant (1).
Genome position (GRCh38, 1-based): chr20:46,599,970, C>T on the plus strand (G>A on the coding strand, the complement: SLC13A3 is on the minus strand). VCF-style: chr20-46599970-C-T. GRCh37 (hg19) VCF-style: chr20-45228609-C-T.
Other names: c.467+1G>A (NM_001193340.2, NM_001011554.3); c.314+1G>A (NM_001193342.2); c.542-3628G>A (NM_001193339.2).
Identifiers: ClinVar variation 3336128 (VCV003336128.1).